The following is an entry in ClinVar:

NM_001291088.2(WDR87):c.2245G>T (p.Val749Leu)

Gene: WDR87 (WD repeat domain 87; minus strand). Cytogenetic location: 19q13.13.
Variant type: single nucleotide variant.
Coding change: c.2245G>T on transcript NM_001291088.2 (MANE Select); coding-DNA position 2245, G replaced by T.
Protein change: p.Val749Leu; replaces valine 749 with leucine.
Molecular consequence: missense variant.
Genome position (GRCh38, 1-based): chr19:37,893,458, C>A on the plus strand (G>T on the coding strand, the complement: WDR87 is on the minus strand). VCF-style: chr19-37893458-C-A. GRCh37 (hg19) VCF-style: chr19-38384098-C-A.
Other names: c.2128G>T, p.Val710Leu (NM_031951.5); short protein forms V710L, V749L.
Identifiers: ClinVar variation 2355836 (VCV002355836.4), dbSNP rs1043720231, ClinGen allele CA308026168.
Genomic context (GRCh38, chr19:37,893,458, plus strand): 5'-AAGAATAATGCATGGAGGAACGCAGTAACACTGGGCTCCCTTCCTCATCTTCTTCTATCA[C>A]ATGTGGCACAGAATGGTCAAAGGCAATGGCCCGGTTGTTGACAAGTTTCTCCAGACCCAC-3'
Protein context (NP_001278017.1, residues 739-759): AIAFDHSVPH[Val749Leu]IEEDEEGSPV

ClinVar aggregate classification (germline): Uncertain significance. Review status: criteria provided, multiple submitters, no conflicts (2 of 4 stars). 2 submissions from 2 submitters: Uncertain significance (2). Last evaluated 2026-01-20.

Allele frequency attached by ClinVar (database versions not stated): gnomAD exomes 0.00002; gnomAD 0.00003; TOPMed 0.00005.
gnomAD v4.1: 42 of 1,551,940 alleles (0.0027%); highest among the groups gnomAD compares: Middle Eastern, 0.017%; no homozygotes.

Submissions (2):

Ambry Genetics
Classification: Uncertain significance. Last evaluated: 2026-01-20. Review status: criteria provided, single submitter. Criteria: Ambry Variant Classification Scheme 2023. Collection method: clinical testing. Allele origin: germline.

Labcorp Genetics (formerly Invitae), Labcorp
Classification: Uncertain significance. Last evaluated: 2025-12-23. Review status: criteria provided, single submitter. Criteria: Invitae Variant Classification Sherloc (09022015). Collection method: clinical testing. Allele origin: germline.
Comment: This sequence change replaces valine, which is neutral and non-polar, with leucine, which is neutral and non-polar, at codon 710 of the WDR87 protein (p.Val710Leu). This variant is not present in population databases (gnomAD no frequency). This variant has not been reported in the literature in individuals affected with WDR87-related conditions. ClinVar contains an entry for this variant (Variation ID: 2355836). An algorithm developed to predict the effect of missense changes on protein structure and function (PolyPhen-2) suggests that this variant is likely to be disruptive. In summary, the available evidence is currently insufficient to determine the role of this variant in disease. Therefore, it has been classified as a Variant of Uncertain Significance.